The following is an entry in ClinVar:

ClinVar aggregate classification (germline): Uncertain significance (1 of 4 stars; one submission).

Conditions:
Parkinson disease 17 (PARK17). Also called: VPS35-Related Parkinson Disease. Identifiers: Orphanet 411602, MedGen C3280133, MONDO:0013625, OMIM 614203.

Submission:

Labcorp Genetics (formerly Invitae), Labcorp
Classification: Uncertain significance for Parkinson disease 17. Last evaluated: 2025-04-28. Review status: criteria provided, single submitter. Criteria: Invitae Variant Classification Sherloc (09022015). Collection method: clinical testing. Allele origin: germline.
Comment: This sequence change replaces methionine, which is neutral and non-polar, with arginine, which is basic and polar, at codon 49 of the VPS35 protein (p.Met49Arg). This variant is not present in population databases (gnomAD no frequency). This variant has not been reported in the literature in individuals affected with VPS35-related conditions. ClinVar contains an entry for this variant (Variation ID: 3641289). Invitae Evidence Modeling of protein sequence and biophysical properties (such as structural, functional, and spatial information, amino acid conservation, physicochemical variation, residue mobility, and thermodynamic stability) indicates that this missense variant is expected to disrupt VPS35 protein function with a positive predictive value of 80%. In summary, the available evidence is currently insufficient to determine the role of this variant in disease. Therefore, it has been classified as a Variant of Uncertain Significance.

NM_018206.6(VPS35):c.146T>G (p.Met49Arg)

Gene: VPS35 (VPS35 retromer complex component; minus strand). Cytogenetic location: 16q11.2.
Variant type: single nucleotide variant.
Coding change: c.146T>G on transcript NM_018206.6 (MANE Select); coding-DNA position 146, T replaced by G.
Protein change: p.Met49Arg; replaces methionine 49 with arginine.
Molecular consequence: missense variant.
Genome position (GRCh38, 1-based): chr16:46,682,132, A>C on the plus strand (T>G on the coding strand, the complement: VPS35 is on the minus strand). VCF-style: chr16-46682132-A-C. GRCh37 (hg19) VCF-style: chr16-46716044-A-C.
Other names: short protein forms M49R.
Identifiers: ClinVar variation 3641289 (VCV003641289.2).